The following is an entry in ClinVar:

ClinVar aggregate classification (germline): Uncertain significance (1 of 4 stars; one submission).

Submission:

Labcorp Genetics (formerly Invitae), Labcorp
Classification: Uncertain significance. Last evaluated: 2025-03-25. Review status: criteria provided, single submitter. Criteria: Invitae Variant Classification Sherloc (09022015). Collection method: clinical testing. Allele origin: germline.
Comment: This sequence change replaces aspartic acid, which is acidic and polar, with asparagine, which is neutral and polar, at codon 639 of the GSN protein (p.Asp639Asn). This variant also falls at the last nucleotide of exon 13, which is part of the consensus splice site for this exon. This variant is not present in population databases (gnomAD no frequency). This variant has not been reported in the literature in individuals affected with GSN-related conditions. An algorithm developed to predict the effect of missense changes on protein structure and function (PolyPhen-2) suggests that this variant is likely to be tolerated. Variants that disrupt the consensus splice site are a relatively common cause of aberrant splicing (PMID: 17576681, 9536098). Algorithms developed to predict the effect of sequence changes on RNA splicing suggest that this variant may disrupt the consensus splice site. In summary, the available evidence is currently insufficient to determine the role of this variant in disease. Therefore, it has been classified as a Variant of Uncertain Significance.

Literature cited by the submitters: PubMed 17576681; PubMed 9536098.

NM_198252.3(GSN):c.1762G>A (p.Asp588Asn)

Gene: GSN (gelsolin; plus strand). Cytogenetic location: 9q33.2.
Variant type: single nucleotide variant.
Coding change: c.1762G>A on transcript NM_198252.3 (MANE Select); coding-DNA position 1762, G replaced by A.
Protein change: p.Asp588Asn; replaces aspartic acid 588 with asparagine.
Molecular consequence: missense variant.
Genome position (GRCh38, 1-based): chr9:121,327,482, G>A. VCF-style: chr9-121327482-G-A. GRCh37 (hg19) VCF-style: chr9-124089760-G-A.
Other names: c.1915G>A, p.Asp639Asn (NM_000177.5); c.1762G>A, p.Asp588Asn (NM_001127662.2, NM_001127664.2, NM_001127665.2 and 10 more transcripts); c.1870G>A, p.Asp624Asn (NM_001127663.2); c.1795G>A, p.Asp599Asn (NM_001127666.2, NM_001127667.2, NM_001353063.2 and 13 more transcripts); c.1813G>A, p.Asp605Asn (NM_001258029.2); c.1786G>A, p.Asp596Asn (NM_001258030.2); c.1834G>A, p.Asp612Asn (NM_001353076.2); c.1108G>A, p.Asp370Asn (NM_001353078.2); short protein forms D370N, D588N, D605N, D596N, D624N, D612N, D599N, D639N.
Identifiers: ClinVar variation 4715298 (VCV004715298.1).
Genomic context (GRCh38, chr9:121,327,482, plus strand): 5'-CAGGAGCTGCTCAGGGTGCTGCGGGCCCAACCTGTGCAGGTGGCAGAAGGCAGCGAGCCA[G>A]GTAGGAGCCGGGGTGGGGGGCCTGCTGCTGTCCGGATGCAGCTATTAAGTTTCCCCCTTC-3'
Protein context (NP_937895.1, residues 578-598): PVQVAEGSEP[Asp588Asn]GFWEALGGKA